The following is an entry in ClinVar:

ClinVar aggregate classification (germline): Pathogenic (1 of 4 stars; one submission).

Conditions:
Junctional epidermolysis bullosa. Identifiers: Orphanet 305, MedGen C0079301, MONDO:0017612.

Submission:

Myriad Genetics, Inc.
Classification: Pathogenic for Junctional epidermolysis bullosa. Last evaluated: 2026-01-22. Review status: criteria provided, single submitter. Criteria: Myriad Autosomal Dominant, Autosomal Recessive and X-Linked Classification Criteria (2023). Collection method: clinical testing. Allele origin: unknown.
Comment: NM_005562.2(LAMC2):c.933delC(T312Pfs*8) is expected to be pathogenic in the context of junctional epidermolysis bullosa, LAMC2-related. This variant is predicted to lead to an abnormal or absent protein product due to the creation of a premature termination codon in LAMC2, a gene where loss-of-function variants are known to be pathogenic. Please note: this variant was assessed in the context of healthy population screening.

NM_005562.3(LAMC2):c.933del (p.Thr312fs)

Gene: LAMC2 (laminin subunit gamma 2; plus strand). Cytogenetic location: 1q25.3.
Variant type: Deletion.
Coding change: c.933del on transcript NM_005562.3 (MANE Select); coding-DNA position 933, one base deleted (C; older notation c.933delC).
Protein change: p.Thr312fs; shifts the reading frame from threonine 312.
Molecular consequence: frameshift variant.
Genome position (GRCh38, 1-based): chr1:183,223,304, C deleted. VCF-style (leftmost placement, unchanged base first): chr1-183223303-TC-T. GRCh37 (hg19) VCF-style: chr1-183192438-TC-T.
Other names: c.933del, p.Thr312fs (NM_018891.3); short protein forms T312fs.
Identifiers: ClinVar variation 5015467 (VCV005015467.1).